The following is an entry in ClinVar:

ClinVar aggregate classification (germline): Likely benign (1 of 4 stars; one submission).

gnomAD v4.1: 4 of 1,613,594 alleles (0.00025%); highest among the groups gnomAD compares: Non-Finnish European, 0.00025%; no homozygotes.

Submission:

CeGaT Center for Human Genetics Tuebingen
Classification: Likely benign. Last evaluated: 2026-02-01. Review status: criteria provided, single submitter. Criteria: CeGaT Center For Human Genetics Tuebingen Variant Classification Criteria Version 2. Collection method: clinical testing. Allele origin: germline. Affected: yes. Observed: 1 variant allele.
Comment: INS-IGF2: BP4, BP7

NM_001042376.3(INS-IGF2):c.273G>C (p.Val91=)

Genes: IGF2 (insulin like growth factor 2; minus strand), INS-IGF2 (INS-IGF2 readthrough; minus strand). Cytogenetic location: 11p15.5.
Variant type: single nucleotide variant.
Coding change: c.273G>C on transcript NM_001042376.3; coding-DNA position 273, G replaced by C.
Protein change: p.Val91=; no amino-acid change (valine 91 retained).
Molecular consequence: synonymous variant. On other transcripts: 5 prime UTR variant (1), non-coding transcript variant (1).
Genome position (GRCh38, 1-based): chr11:2,149,260, C>G on the plus strand (G>C on the coding strand, the complement: INS-IGF2 is on the minus strand). VCF-style: chr11-2149260-C-G. GRCh37 (hg19) VCF-style: chr11-2170490-C-G.
Other names: c.-383G>C (NM_001007139.6).
Identifiers: ClinVar variation 4820718 (VCV004820718.4).